The following is an entry in ClinVar:

NM_031956.4(TTC29):c.217_221del (p.Leu73fs)

Gene: TTC29 (tetratricopeptide repeat domain 29; minus strand). Cytogenetic location: 4q31.22.
Variant type: Deletion.
Coding change: c.217_221del on transcript NM_031956.4 (MANE Select); coding-DNA positions 217 to 221, 5 bases deleted (CTGCG; older notation c.217_221delCTGCG).
Protein change: p.Leu73fs; shifts the reading frame from leucine 73.
Molecular consequence: frameshift variant. On other transcripts: non-coding transcript variant (1).
Genome position (GRCh38, 1-based): chr4:146,909,205-146,909,209, CGCAG deleted on the plus strand (CTGCG on the coding strand, the reverse complement: TTC29 is on the minus strand); deleting any 5 consecutive bases within chr4:146,909,205-146,909,210 gives the same sequence; the c. name uses the placement nearest the transcript's 3' end. VCF-style (leftmost placement, unchanged base first): chr4-146909204-TCGCAG-T. GRCh37 (hg19) VCF-style: chr4-147830356-TCGCAG-T.
Other names: c.217_221del (NM_031956.3); c.295_299del, p.Leu99fs (NM_001300761.4); c.217_221del, p.Leu73fs (NM_001317806.3); short protein forms L73fs, L99fs.
Identifiers: ClinVar variation 3075967 (VCV003075967.2), dbSNP rs759110348, ClinGen allele CA3097715.

ClinVar aggregate classification (germline): Conflicting classifications of pathogenicity. Review status: criteria provided, conflicting classifications (1 of 4 stars). 2 submissions from 2 submitters: Likely pathogenic (1); Uncertain significance (1). Last evaluated 2026-03-24.

Conditions:
Male infertility with spermatogenesis disorder. Identifiers: Orphanet 399775, MedGen C5681167, MONDO:0018391.

Submissions (2):

GeneDx
Classification: Uncertain significance. Last evaluated: 2026-03-24. Review status: criteria provided, single submitter. Criteria: GeneDx Variant Classification Process June 2021. Collection method: clinical testing. Allele origin: germline.
Comment: Frameshift variant predicted to result in protein truncation or nonsense mediated decay in a gene for which loss of function is a known mechanism of disease; Has not been previously published as pathogenic or benign to our knowledge

Laboratory for Molecular Medicine, Mass General Brigham Personalized Medicine
Classification: Likely pathogenic for Male infertility with spermatogenesis disorder. Last evaluated: 2024-01-05. Review status: criteria provided, single submitter. Criteria: ACMG Guidelines, 2015. Collection method: clinical testing. Allele origin: germline. Inheritance: Autosomal recessive inheritance.
Comment: The p.Leu99ArgfsX5 variant in TTC29 has not been previously reported in individuals with infertility or sperm motility disorders but has been identified in 0.07% (30/41446) of African chromosomes by gnomAD (v.3.1.2). This variant is predicted to cause a frameshift, which alters the protein’s amino acid sequence beginning at position 99 and leads to a premature termination codon 5 amino acids downstream. This alteration is then predicted to lead to a truncated or absent protein. Loss of function variants in TTC29 have been reported in individuals with autosomal recessive asthenozoospermia, displaying multiple morphological abnormalities of the flagella (MMAF). TTC29 was absent in the flagella of these individuals (Lores 2019 PMID: 31735292, Liu 2019 PMID: 31735294, Dai 2022 PMID: 36346162). Additionally, one mouse model has shown that TTC29 knock out mice had infertility with decreased sperm concentration and motility rate and abnormal sperm flagella, recapitulating the human phenotype (Liu 2019 PMID: 31735294), while another study has shown that while TTC29 knockout mice did not display a typical MMAF phenotype, they had mild morphological and ultrastructural defects of the flagella compared to wild type mice, altering sperm flagellar velocity (Lores 2019 PMID: 31735292). In summary, although additional studies are required to fully establish its clinical significance, this variant meets criteria to be classified as likely pathogenic for autosomal recessive asthenozoospermia causing male infertility. ACMG/AMP Criteria applied: PVS1, PM2_Supporting.

Literature cited by the submitters: PubMed 31735294 (cited by Laboratory for Molecular Medicine, Mass General Brigham Personalized Medicine); PubMed 36346162 (cited by Laboratory for Molecular Medicine, Mass General Brigham Personalized Medicine); PubMed 31735292 (cited by Laboratory for Molecular Medicine, Mass General Brigham Personalized Medicine).